The following is an entry in ClinVar:

ClinVar aggregate classification (germline): Conflicting classifications of pathogenicity. Review status: criteria provided, conflicting classifications (1 of 4 stars). 2 submissions from 2 submitters: Uncertain significance (1); Likely benign (1). Last evaluated 2024-11-06.

Conditions:
Dilated cardiomyopathy 1O (CMD1O). Also called: CARDIOMYOPATHY, DILATED, WITH VENTRICULAR TACHYCARDIA. Identifiers: Orphanet 154, MedGen C1837839, MONDO:0012062, OMIM 608569.

Allele frequency attached by ClinVar (database versions not stated): gnomAD exomes 0.00001; TOPMed 0.00001; gnomAD 0.00003.
gnomAD v4.1: 20 of 1,606,542 alleles (0.0012%); highest among the groups gnomAD compares: Non-Finnish European, 0.0017%; no homozygotes.

Submissions (2):

Labcorp Genetics (formerly Invitae), Labcorp
Classification: Uncertain significance for Dilated cardiomyopathy 1O. Last evaluated: 2024-11-06. Review status: criteria provided, single submitter. Criteria: Invitae Variant Classification Sherloc (09022015). Collection method: clinical testing. Allele origin: germline.
Comment: This sequence change falls in intron 7 of the ABCC9 gene. It does not directly change the encoded amino acid sequence of the ABCC9 protein. Information on the frequency of this variant in the gnomAD database is not available, as this variant may be reported differently in the database. This variant has not been reported in the literature in individuals affected with ABCC9-related conditions. ClinVar contains an entry for this variant (Variation ID: 227156). Experimental studies and prediction algorithms are not available or were not evaluated, and the effect of this variant on mRNA splicing is currently unknown. In summary, the available evidence is currently insufficient to determine the role of this variant in disease. Therefore, it has been classified as a Variant of Uncertain Significance.

Laboratory for Molecular Medicine, Mass General Brigham Personalized Medicine
Classification: Likely benign. Last evaluated: 2015-01-16. Review status: criteria provided, single submitter. Criteria: LMM Criteria. Collection method: clinical testing. Allele origin: germline. Observed: 1 variant allele.
Comment: c.1164+10G>A in intron 7 of ABCC9: This variant is not expected to have clinical significance because it is not located within the conserved splice consensus se quence. It was absent from large population studies.

NM_020297.4(ABCC9):c.1164+10G>A

Gene: ABCC9 (ATP binding cassette subfamily C member 9; minus strand). Cytogenetic location: 12p12.1.
Variant type: single nucleotide variant.
Coding change: c.1164+10G>A on transcript NM_020297.4 (MANE Select); 10 bases into the intron after coding-DNA position 1164, G replaced by A.
Molecular consequence: intron variant.
Genome position (GRCh38, 1-based): chr12:21,910,816, C>T on the plus strand (G>A on the coding strand, the complement: ABCC9 is on the minus strand). VCF-style: chr12-21910816-C-T. GRCh37 (hg19) VCF-style: chr12-22063750-C-T.
Other names: c.300+10G>A (NM_001377274.1); c.1164+10G>A (NM_005691.4, NM_001377273.1).
Identifiers: ClinVar variation 227156 (VCV000227156.7), dbSNP rs876657427, ClinGen allele CA10576917.
Genomic context (GRCh38, chr12:21,910,816, plus strand): 5'-CCGCTATTCTTTTCACTGAATGGTATATAGCATTCTTAGGAAACAAATAGTATTCACAGC[C>T]TTTACATACCAGCAGAGCTCCACGGAGGTTAATGCCAGTCTCTATGGTTACATAGTAGGA-3'